The following is an entry in ClinVar:

ClinVar aggregate classification (germline): Uncertain significance (1 of 4 stars; one submission).

Conditions:
Emery-Dreifuss muscular dystrophy 4, autosomal dominant (EDMD4). Also called: EMERY-DREIFUSS MUSCULAR DYSTROPHY 4 WITH VARIABLE FEATURES. Identifiers: Orphanet 261, MedGen C2751807, MONDO:0013071, OMIM 612998.
Autosomal recessive ataxia, Beauce type. Also called: SYNE1-Related Autosomal Recessive Cerebellar Ataxia; Spinocerebellar ataxia, autosomal recessive 8; ATAXIA, RECESSIVE, OF BEAUCE; SYNE1 Deficiency. Identifiers: Orphanet 88644, MedGen C1853116, MONDO:0012549, OMIM 610743.

Allele frequency attached by ClinVar (database versions not stated): gnomAD exomes below 0.00001; gnomAD 0.00001; TOPMed 0.00003; 1000 Genomes Project 30x 0.00031.
gnomAD v4.1: 7 of 1,614,192 alleles (0.00043%); highest among the groups gnomAD compares: African/African-American, 0.0093%; no homozygotes.

Submission:

Labcorp Genetics (formerly Invitae), Labcorp
Classification: Uncertain significance for Emery-Dreifuss muscular dystrophy 4, autosomal dominant; Autosomal recessive ataxia, Beauce type. Last evaluated: 2021-12-02. Review status: criteria provided, single submitter. Criteria: Invitae Variant Classification Sherloc (09022015). Collection method: clinical testing. Allele origin: germline.
Comment: This sequence change replaces glutamine, which is neutral and polar, with arginine, which is basic and polar, at codon 2146 of the SYNE1 protein (p.Gln2146Arg). This variant is present in population databases (no rsID available, gnomAD 0.01%). This variant has not been reported in the literature in individuals affected with SYNE1-related conditions. Algorithms developed to predict the effect of missense changes on protein structure and function (SIFT, PolyPhen-2, Align-GVGD) all suggest that this variant is likely to be disruptive. In summary, the available evidence is currently insufficient to determine the role of this variant in disease. Therefore, it has been classified as a Variant of Uncertain Significance.

NM_182961.4(SYNE1):c.6416A>G (p.Gln2139Arg)

Gene: SYNE1 (spectrin repeat containing nuclear envelope protein 1; minus strand). Cytogenetic location: 6q25.2.
Variant type: single nucleotide variant.
Coding change: c.6416A>G on transcript NM_182961.4 (MANE Select); coding-DNA position 6416, A replaced by G.
Protein change: p.Gln2139Arg; replaces glutamine 2139 with arginine.
Molecular consequence: missense variant.
Genome position (GRCh38, 1-based): chr6:152,409,192, T>C on the plus strand (A>G on the coding strand, the complement: SYNE1 is on the minus strand). VCF-style: chr6-152409192-T-C. GRCh37 (hg19) VCF-style: chr6-152730327-T-C.
Other names: c.6437A>G, p.Gln2146Arg (NM_033071.5); short protein forms Q2146R, Q2139R.
Identifiers: ClinVar variation 1398867 (VCV001398867.5), dbSNP rs1014104831, ClinGen allele CA150204157.